The following is an entry in ClinVar:

NM_014806.5(RUSC2):c.1291C>T (p.Pro431Ser)

Gene: RUSC2 (RUN and SH3 domain containing 2; plus strand). Cytogenetic location: 9p13.3.
Variant type: single nucleotide variant.
Coding change: c.1291C>T on transcript NM_014806.5 (MANE Select); coding-DNA position 1291, C replaced by T.
Protein change: p.Pro431Ser; replaces proline 431 with serine.
Molecular consequence: missense variant. On other transcripts: non-coding transcript variant (1), intron variant (1).
Genome position (GRCh38, 1-based): chr9:35,547,812, C>T. VCF-style: chr9-35547812-C-T. GRCh37 (hg19) VCF-style: chr9-35547809-C-T.
Other names: c.1291C>T, p.Pro431Ser (NM_001135999.2); c.-620-7248C>T (NM_001330740.2); short protein forms P431S.
Identifiers: ClinVar variation 2089932 (VCV002089932.4), dbSNP rs371747271, ClinGen allele CA373332364.

ClinVar aggregate classification (germline): Uncertain significance (1 of 4 stars; one submission).

Submission:

Labcorp Genetics (formerly Invitae), Labcorp
Classification: Uncertain significance. Last evaluated: 2022-01-26. Review status: criteria provided, single submitter. Criteria: Invitae Variant Classification Sherloc (09022015). Collection method: clinical testing. Allele origin: germline.
Comment: In summary, the available evidence is currently insufficient to determine the role of this variant in disease. Therefore, it has been classified as a Variant of Uncertain Significance. Algorithms developed to predict the effect of missense changes on protein structure and function are either unavailable or do not agree on the potential impact of this missense change (SIFT: "Deleterious"; PolyPhen-2: "Probably Damaging"; Align-GVGD: "Class C0"). This sequence change replaces proline, which is neutral and non-polar, with serine, which is neutral and polar, at codon 431 of the RUSC2 protein (p.Pro431Ser). This variant is present in population databases (no rsID available, gnomAD 0.006%). This variant has not been reported in the literature in individuals affected with RUSC2-related conditions.